The following is an entry in ClinVar:

ClinVar aggregate classification (germline): Benign. Review status: criteria provided, multiple submitters, no conflicts (2 of 4 stars). 2 submissions from 2 submitters: Benign (2). Last evaluated 2018-01-13.

Conditions:
Ulnar-mammary syndrome (UMS). Also called: SCHINZEL SYNDROME; Ulnar-mammary syndrome of Pallister; PALLISTER ULNAR-MAMMARY SYNDROME. Identifiers: Orphanet 3138, MedGen C1866994, MONDO:0008411, OMIM 181450.

Allele frequency attached by ClinVar (database versions not stated): TOPMed 0.04486; gnomAD 0.05280 and 0.05545; 1000 Genomes Project 30x 0.05715; 1000 Genomes Project 0.05891; gnomAD exomes 0.06120.
gnomAD v4.1: 11,870 of 210,176 alleles (5.6%); highest among the groups gnomAD compares: South Asian, 12%; 445 homozygotes.

Submissions (2):

Illumina Laboratory Services, Illumina
Classification: Benign for Ulnar-mammary syndrome. Last evaluated: 2018-01-13. Review status: criteria provided, single submitter. Criteria: ICSL Variant Classification Criteria 13 December 2019. Collection method: clinical testing. Allele origin: germline.
Comment: This variant was observed in the ICSL laboratory as part of a predisposition screen in an ostensibly healthy population. It had not been previously curated by ICSL or reported in the Human Gene Mutation Database (HGMD: prior to June 1st, 2018), and was therefore a candidate for classification through an automated scoring system. Utilizing variant allele frequency, disease prevalence and penetrance estimates, and inheritance mode, an automated score was calculated to assess if this variant is too frequent to cause the disease. Based on the score and internal cut-off values, a variant classified as benign is not then subjected to further curation. The score for this variant resulted in a classification of benign for this disease.

Breakthrough Genomics
Classification: Benign. Review status: criteria provided, single submitter. Criteria: ACMG Guidelines, 2015. Collection method: not provided. Allele origin: germline. Inheritance: Autosomal dominant inheritance. Affected: yes.

NM_005996.4(TBX3):c.*747G>A

Gene: TBX3 (T-box transcription factor 3; minus strand). Cytogenetic location: 12q24.21.
Variant type: single nucleotide variant.
Coding change: c.*747G>A on transcript NM_005996.4 (MANE Select); 747 bases downstream of the stop codon, G replaced by A.
Molecular consequence: 3 prime UTR variant.
Genome position (GRCh38, 1-based): chr12:114,671,094, C>T on the plus strand (G>A on the coding strand, the complement: TBX3 is on the minus strand). VCF-style: chr12-114671094-C-T. GRCh37 (hg19) VCF-style: chr12-115108899-C-T.
Other names: c.*747G>A (NM_016569.4).
Identifiers: ClinVar variation 307335 (VCV000307335.6), dbSNP rs3741695, ClinGen allele CA10632094.